The following is an entry in ClinVar:

ClinVar aggregate classification (germline): Likely benign. Review status: criteria provided, single submitter (1 of 4 stars). 3 submissions from 3 submitters: Likely benign (1). 2 of the submissions do not count toward it. Last evaluated 2026-02-02.

Conditions:
ACSF3-related disorder. Also called: ACSF3-related condition.
Combined malonic and methylmalonic acidemia. Identifiers: Orphanet 289504, MedGen C3280314, MONDO:0013661, OMIM 614265.

Allele frequency attached by ClinVar (database versions not stated): TOPMed 0.00010; 1000 Genomes Project 30x 0.00031; 1000 Genomes Project 0.00040; gnomAD 0.00067.
gnomAD v4.1: 482 of 1,613,918 alleles (0.03%); highest among the groups gnomAD compares: South Asian, 0.2%; 2 homozygotes.

Submissions (3):

Labcorp Genetics (formerly Invitae), Labcorp
Classification: Likely benign for Combined malonic and methylmalonic acidemia. Last evaluated: 2026-02-02. Review status: criteria provided, single submitter. Criteria: Invitae Variant Classification Sherloc (09022015). Collection method: clinical testing. Allele origin: germline.

Natera, Inc.
Classification: Uncertain significance for Combined malonic and methylmalonic aciduria. Last evaluated: 2020-01-24. Review status: no assertion criteria provided. Collection method: clinical testing. Allele origin: germline. Not counted in ClinVar's aggregate classification.

PreventionGenetics, part of Exact Sciences
Classification: Likely benign for ACSF3-related condition. Last evaluated: 2019-04-26. Review status: no assertion criteria provided. Collection method: clinical testing. Allele origin: germline. Not counted in ClinVar's aggregate classification.
Comment: This variant is classified as likely benign based on ACMG/AMP sequence variant interpretation guidelines (Richards et al. 2015 PMID: 25741868, with internal and published modifications).

NM_001243279.3(ACSF3):c.823-4G>C

Gene: ACSF3 (acyl-CoA synthetase family member 3; plus strand). Cytogenetic location: 16q24.3.
Variant type: single nucleotide variant.
Coding change: c.823-4G>C on transcript NM_001243279.3 (MANE Select); 4 bases into the intron before coding-DNA position 823, G replaced by C.
Molecular consequence: intron variant.
Genome position (GRCh38, 1-based): chr16:89,112,088, G>C. VCF-style: chr16-89112088-G-C. GRCh37 (hg19) VCF-style: chr16-89178496-G-C.
Other names: c.823-4G>C (NM_001127214.4, NM_174917.5); c.28-4G>C (NM_001284316.2).
Identifiers: ClinVar variation 729981 (VCV000729981.14), dbSNP rs558325262, ClinGen allele CA8237844.